The following is an entry in ClinVar:

NM_001384732.1(CPLANE1):c.3204dup (p.Gln1069fs)

Gene: CPLANE1 (ciliogenesis and planar polarity effector complex subunit 1; minus strand). Cytogenetic location: 5p13.2.
Variant type: Duplication.
Coding change: c.3204dup on transcript NM_001384732.1 (MANE Select); coding-DNA position 3204, one base duplicated (T; older notation c.3204dupT).
Protein change: p.Gln1069fs; shifts the reading frame from glutamine 1069.
Molecular consequence: frameshift variant.
Genome position (GRCh38, 1-based): chr5:37,205,400, A duplicated on the plus strand (T on the coding strand, the reverse complement: CPLANE1 is on the minus strand); the first of 5 consecutive A bases (chr5:37,205,400-37,205,404); duplicating any one gives the same sequence. VCF-style (leftmost placement, unchanged base first): chr5-37205399-G-GA. GRCh37 (hg19) VCF-style: chr5-37205501-G-GA.
Other names: c.3204dup, p.Gln1069fs (NM_023073.4); short protein forms Q1069fs.
Identifiers: ClinVar variation 1402222 (VCV001402222.6), dbSNP rs2150117334, ClinGen allele CA2573139647.

ClinVar aggregate classification (germline): Pathogenic (1 of 4 stars; one submission).

Submission:

Labcorp Genetics (formerly Invitae), Labcorp
Classification: Pathogenic. Last evaluated: 2024-05-21. Review status: criteria provided, single submitter. Criteria: Invitae Variant Classification Sherloc (09022015). Collection method: clinical testing. Allele origin: germline.
Comment: This sequence change creates a premature translational stop signal (p.Gln1069Serfs*19) in the CPLANE1 gene. It is expected to result in an absent or disrupted protein product. Loss-of-function variants in CPLANE1 are known to be pathogenic (PMID: 24178751, 26092869). This variant is not present in population databases (gnomAD no frequency). This variant has not been reported in the literature in individuals affected with CPLANE1-related conditions. ClinVar contains an entry for this variant (Variation ID: 1402222). For these reasons, this variant has been classified as Pathogenic.

Literature cited by the submitters: PubMed 24178751; PubMed 26092869.